The following is an entry in ClinVar:

NM_007194.4(CHEK2):c.593-11_593-7del

Gene: CHEK2 (checkpoint kinase 2; minus strand). Cytogenetic location: 22q12.1.
Variant type: Deletion.
Coding change: c.593-11_593-7del on transcript NM_007194.4 (MANE Select); 11 bases into the intron before coding-DNA position 593 through 7 bases into the intron before coding-DNA position 593, 5 bases deleted (TTCTT; older notation c.593-11_593-7delTTCTT).
Molecular consequence: intron variant.
Genome position (GRCh38, 1-based): chr22:28,719,492-28,719,496, AAGAA deleted on the plus strand (TTCTT on the coding strand, the reverse complement: CHEK2 is on the minus strand); deleting any 5 consecutive bases within chr22:28,719,492-28,719,500 gives the same sequence; the c. name uses the placement nearest the transcript's 3' end. VCF-style (leftmost placement, unchanged base first): chr22-28719491-GAAGAA-G. GRCh37 (hg19) VCF-style: chr22-29115479-GAAGAA-G.
Other names: c.593-11_593-7delTTCTT (NM_007194.4, NM_007194.3); c.-71-11_-71-7del (NM_001437942.1, NM_001257387.3); c.482+5390_482+5394del (NM_001349956.3); c.593-11_593-7del (NM_145862.3); c.686-11_686-7del (NM_001438295.1, NM_001438293.1); c.722-11_722-7del (NM_001438294.1, NM_001005735.3).
Identifiers: ClinVar variation 215865 (VCV000215865.71), dbSNP rs863224414, ClinGen allele CA337649.

ClinVar aggregate classification (germline): Conflicting classifications of pathogenicity. Review status: criteria provided, conflicting classifications (1 of 4 stars). 16 submissions from 16 submitters: Likely pathogenic (3); Uncertain significance (9); Likely benign (3). 1 of the submissions does not count toward it. Last evaluated 2026-06-09.

Conditions:
Hereditary nonpolyposis colon cancer (HNPCC). Also called: Hereditary Nonpolyposis Colorectal Cancer Syndrome; Hereditary nonpolyposis colorectal cancer; Familial nonpolyposis colon cancer. Identifiers: Orphanet 443909, MedGen C1333990, MONDO:0018630. Disease mechanism: loss of function.
Hereditary breast ovarian cancer syndrome. Also called: Hereditary breast and ovarian cancer; Hereditary breast and ovarian cancer syndrome (HBOC); Breast and ovarian cancer; BRCA1- and BRCA2-Associated Hereditary Breast and Ovarian Cancer; Hereditary breast and ovarian cancer syndrome; Hereditary breast and/or ovarian cancer syndrome. Identifiers: Orphanet 145, MedGen C0677776, MeSH D061325, MONDO:0003582. Disease mechanism: loss of function.
Hereditary cancer-predisposing syndrome. Also called: Tumor predisposition; Neoplastic Syndromes, Hereditary; Hereditary Cancer Syndrome; Hereditary neoplastic syndrome. Identifiers: Orphanet 140162, MedGen C0027672, MeSH D009386, MONDO:0015356.
Breast-ovarian cancer, familial, susceptibility to, 1 (BROVCA1). Also called: OVARIAN CANCER, SUSCEPTIBILITY TO; BRCA1 Hereditary Breast and Ovarian Cancer. Identifiers: Orphanet 145, MedGen C2676676, MONDO:0011450, OMIM 604370. Disease mechanism: loss of function.
Familial cancer of breast. Also called: BREAST CANCER, FAMILIAL; hereditary breast carcinoma; Hereditary breast cancer. Identifiers: Orphanet 227535, MedGen C0346153, MONDO:0016419, OMIM 114480. Disease mechanism: loss of function.

Submissions 1 to 10 of 16:

German Consortium for Hereditary Breast and Ovarian Cancer, University Hospital Cologne
Classification: Uncertain significance for Hereditary breast ovarian cancer syndrome. Last evaluated: 2026-06-09. Review status: criteria provided, single submitter. Criteria: ACMG SVI. Collection method: curation. Allele origin: germline.
Comment: This classification follows the ACMG SVI adaptation classification scheme; We chose this criterion: PVS1 (strong pathogenic): Variant causes aberrant transcripts with Exon 5 being skipped; in the literature only 12% of WT transcript remains, the majority (~62%) misses exon 5 (PMID: 37725924), however physiological skipping of exon 5 has been described before with varying proportions (median PSI of aberrant event <20%) (PMID: 32133419); this splicing event could be confirmed in in-house Nanopore RNA-seq data from Leipzig in a patient, here, complete lack of exon 5 was observed, leading to: r.593_683del, p.(Phe199Valfs*6), most likely causing NMD

Labcorp Genetics (formerly Invitae), Labcorp
Classification: Likely pathogenic for Familial cancer of breast. Last evaluated: 2026-02-01. Review status: criteria provided, single submitter. Criteria: Invitae Variant Classification Sherloc (09022015). Collection method: clinical testing. Allele origin: germline.
Comment: This sequence change falls in intron 4 of the CHEK2 gene. It does not directly change the encoded amino acid sequence of the CHEK2 protein. RNA analysis indicates that this variant induces altered splicing and may result in an absent or altered protein product. This variant is present in population databases (no rsID available, gnomAD 0.004%). This variant has been observed in individual(s) with CHEK2-related conditions (internal data). ClinVar contains an entry for this variant (Variation ID: 215865). Studies have shown that this variant results in significantly increased skipping of exon 5, and produces a non-functional protein and/or introduces a premature termination codon (PMID: 32133419, 37725924; internal data). In summary, the currently available evidence indicates that the variant is pathogenic, but additional data are needed to prove that conclusively. Therefore, this variant has been classified as Likely Pathogenic.

Center for Genomic Medicine, Rigshospitalet, Copenhagen University Hospital
Classification: Uncertain significance. Last evaluated: 2025-12-29. Review status: criteria provided, single submitter. Criteria: ACMG Guidelines, 2015. Collection method: clinical testing. Allele origin: germline.

Color Diagnostics, LLC DBA Color Health
Classification: Uncertain significance for Hereditary cancer-predisposing syndrome. Last evaluated: 2025-10-14. Review status: criteria provided, single submitter. Criteria: ACMG Guidelines, 2015. Collection method: clinical testing. Allele origin: germline.
Comment: This variant causes a 5 nucleotide deletion in the polypyrimidine tract of intron 4 of the CHEK2 gene. Splice site prediction tools predict that this variant may have a significant impact on RNA splicing. An experimental minigene splicing study with this variant observed significant skipping of exon 5, but the presence of full length transcript was also observed (PMID: 37725924). In addition, a study of splicing profiles from healthy individuals, observed background exon 5 skipping (PMID: 32133419). This variant has not been reported in individuals affected with CHEK2-related disorders in the literature, although the variant was observed in a Lynch syndrome patient harboring an MSH6 truncation (PMID: 37088804). This variant has been identified in 3/206084 chromosomes in the general population by the Genome Aggregation Database (gnomAD). The available evidence is insufficient to determine the role of this variant in disease conclusively. Therefore, this variant is classified as a Variant of Uncertain Significance.

Molecular Pathology, Peter Maccallum Cancer Centre
Classification: Uncertain significance for Familial cancer of breast. Last evaluated: 2025-06-03. Review status: criteria provided, single submitter. Criteria: ACMG Guidelines, 2015. Collection method: clinical testing. Allele origin: germline. Inheritance: Autosomal dominant inheritance.

Women's Health and Genetics/Laboratory Corporation of America, LabCorp
Classification: Uncertain significance. Last evaluated: 2025-04-22. Review status: criteria provided, single submitter. Criteria: LabCorp Variant Classification Summary - May 2015. Collection method: clinical testing. Allele origin: germline.
Comment: Variant summary: CHEK2 c.593-11_593-7delTTCTT alters non-conserved nucleotides located at a position not widely known to affect splicing. Consensus agreement among computation tools predict no significant impact on normal splicing. At least one publication reports experimental evidence that this variant affects mRNA splicing by producing transcripts carrying premature termination codons (Sanoguera-Miralles_2024). The variant allele was found at a frequency of 1.5e-05 in 206084 control chromosomes. c.593-11_593-7delTTCTT has been observed in one individual affected with Colorectal cancer, co-occurring with a pair of MSH6 variants (nonsense and in-frame delins) (Vibert_2023). These report(s) do not provide unequivocal conclusions about association of the variant with Hereditary Breast And Ovarian Cancer Syndrome. The following publications have been ascertained in the context of this evaluation (PMID: 37725924, 37088804). ClinVar contains an entry for this variant (Variation ID: 215865). Based on the evidence outlined above, the variant was classified as VUS-possibly pathogenic.

Ambry Genetics
Classification: Likely pathogenic for Hereditary cancer-predisposing syndrome. Last evaluated: 2025-04-09. Review status: criteria provided, single submitter. Criteria: Ambry Variant Classification Scheme 2023. Collection method: clinical testing. Allele origin: germline.
Comment: The c.593-11_593-7delTTCTT intronic variant, located in intron 3 of the CHEK2 gene, results from a deletion of 5 nucleotides within intron 3 of the CHEK2 gene. This variant was predicted to be deleterious in a cohort of individuals with known personal and family cancer histories (external communication). This variant is considered to be rare based on population cohorts in the Genome Aggregation Database (gnomAD). The native splice acceptor site is highly conserved in available vertebrate species. In silico splice site analysis predicts that this alteration will weaken the native splice acceptor site. RNA studies have demonstrated that this alteration results in abnormal splicing in the set of samples tested (Ambry internal data). A minigene-based RNA assay reports that this variant results in an incomplete splicing impact, with approximately 12% of full-length transcript resulting from the variant (Sanoguera-Miralles L et al. Clin Chem, 2024 Jan;70:319-338). Based on the majority of available evidence to date, this variant is likely to be pathogenic.

Institute of Human Genetics, University of Leipzig Medical Center
Classification: Uncertain significance for Breast-ovarian cancer, familial, susceptibility to, 1. Last evaluated: 2025-03-04. Review status: criteria provided, single submitter. Criteria: ACMG Guidelines, 2015. Collection method: clinical testing. Allele origin: unknown. Inheritance: Autosomal dominant inheritance. Affected: yes.
Comment: Criteria applied: PP3

Myriad Genetics, Inc.
Classification: Likely pathogenic for Familial cancer of breast. Last evaluated: 2024-12-26. Review status: criteria provided, single submitter. Criteria: Myriad Autosomal Dominant, Autosomal Recessive and X-Linked Classification Criteria (2023). Collection method: clinical testing. Allele origin: unknown.
Comment: This variant is considered likely pathogenic. mRNA analysis has demonstrated abnormal mRNA splicing occurs [PMID: 37725924, Myriad internal data]. This variant is strongly associated with more severe personal and family histories of cancer, typical for individuals with pathogenic variants in this gene [PMID: 25085752].

Blueprint Genetics
Classification: Likely benign. Last evaluated: 2024-08-07. Review status: criteria provided, single submitter. Criteria: ACMG Guidelines, 2015. Collection method: clinical testing. Allele origin: germline.